The following is an entry in ClinVar:

NM_001308093.3(GATA4):c.526GCC[6] (p.Ala179_Ser180insAlaAla)

Gene: GATA4 (GATA binding protein 4). Cytogenetic location: 8p23.1.
Variant type: Microsatellite.
Coding change: c.526GCC[6] on transcript NM_001308093.3 (MANE Select); six copies in a row of the 3-base unit GCC starting at c.526.
Protein change: p.Ala179_Ser180insAlaAla.
Molecular consequence: intron variant (on NM_001308094.2).
Genome position: GRCh38 VCF-style: chr8-11708837-A-AGCCGCC. GRCh37 (hg19) VCF-style: chr8-11566346-A-AGCCGCC.
Other names: c.526GCC[6], p.Ala179_Ser180insAlaAla (NM_002052.5); c.-6+8060GCC[6] (NM_001308094.2); c.-3+824GCC[6] (NM_001374274.1); c.-3+4534GCC[6] (NM_001374273.1).
Identifiers: ClinVar variation 3718815 (VCV003718815.2).
Genomic context (GRCh38, chr8:11,708,837, plus strand): 5'-GGGCTCCTACTCCAGCCCCTACCCGGCTTACATGGCCGACGTGGGCGCGTCCTGGGCCGC[A>AGCCGCC]GCCGCCGCCGCCTCCGCCGGCCCCTTCGACAGCCCGGTCCTGCACAGCCTGCCCGGCCGG-3'

ClinVar aggregate classification (germline): Uncertain significance (1 of 4 stars; one submission).

Conditions:
Atrioventricular septal defect 4 (AVSD4). Identifiers: MedGen C3280781, MONDO:0013747, OMIM 614430.

Submission:

Labcorp Genetics (formerly Invitae), Labcorp
Classification: Uncertain significance for Atrioventricular septal defect 4. Last evaluated: 2025-02-04. Review status: criteria provided, single submitter. Criteria: Invitae Variant Classification Sherloc (09022015). Collection method: clinical testing. Allele origin: germline.
Comment: This variant, c.532_537dup, results in the insertion of 2 amino acid(s) of the GATA4 protein (p.Ala178_Ala179dup), but otherwise preserves the integrity of the reading frame. This variant is not present in population databases (gnomAD no frequency). This variant has not been reported in the literature in individuals affected with GATA4-related conditions. In summary, the available evidence is currently insufficient to determine the role of this variant in disease. Therefore, it has been classified as a Variant of Uncertain Significance.